The following is an entry in ClinVar:

ClinVar aggregate classification (germline): Pathogenic (1 of 4 stars; one submission).

Conditions:
Retinoblastoma (RB1). Also called: RETINOBLASTOMA, SOMATIC. Identifiers: Orphanet 790, MedGen C0035335, MeSH D012175, MONDO:0008380, OMIM 180200, HP:0009919. Disease mechanism: loss of function. Inheritance: Both sporadic and heritable forms are tested..

Submission:

Labcorp Genetics (formerly Invitae), Labcorp
Classification: Pathogenic for Retinoblastoma. Last evaluated: 2024-03-07. Review status: criteria provided, single submitter. Criteria: Invitae Variant Classification Sherloc (09022015). Collection method: clinical testing. Allele origin: germline.
Comment: This sequence change creates a premature translational stop signal (p.Gly617Argfs*36) in the RB1 gene. It is expected to result in an absent or disrupted protein product. Loss-of-function variants in RB1 are known to be pathogenic (PMID: 17096365). This variant is not present in population databases (gnomAD no frequency). This variant has not been reported in the literature in individuals affected with RB1-related conditions. For these reasons, this variant has been classified as Pathogenic.

Literature cited by the submitters: PubMed 17096365.

NM_000321.3(RB1):c.1848dup (p.Gly617fs)

Gene: RB1 (RB transcriptional corepressor 1; plus strand). Cytogenetic location: 13q14.2.
Variant type: Duplication.
Coding change: c.1848dup on transcript NM_000321.3 (MANE Select); coding-DNA position 1848, one base duplicated (A; older notation c.1848dupA).
Protein change: p.Gly617fs; shifts the reading frame from glycine 617.
Molecular consequence: frameshift variant.
Genome position (GRCh38, 1-based): chr13:48,456,237, A duplicated; the last of 6 consecutive A bases (chr13:48,456,232-48,456,237); duplicating any one gives the same sequence. VCF-style (leftmost placement, unchanged base first): chr13-48456231-G-GA. GRCh37 (hg19) VCF-style: chr13-49030367-G-GA.
Other names: c.1848dup, p.Gly617fs (NM_001407165.1); short protein forms G617fs.
Identifiers: ClinVar variation 3644814 (VCV003644814.2).